The following is an entry in ClinVar:

ClinVar aggregate classification (germline): Conflicting classifications of pathogenicity. Review status: criteria provided, conflicting classifications (1 of 4 stars). 7 submissions from 7 submitters: Uncertain significance (6); Likely benign (1). Last evaluated 2025-09-29.

Conditions:
Aortic aneurysm, familial thoracic 4 (AAT4). Also called: AORTIC ANEURYSM/AORTIC DISSECTION AND PATENT DUCTUS ARTERIOSUS. Identifiers: MedGen C1851504, MONDO:0007568, OMIM 132900.
Visceral myopathy 2. Identifiers: MedGen C5543466, MONDO:0859157, OMIM 619350.
Megacystis-microcolon-intestinal hypoperistalsis syndrome 2. Identifiers: MedGen C5543476, MONDO:0025708, OMIM 619351.
Familial thoracic aortic aneurysm and aortic dissection (TAAD). Also called: Thoracic aortic aneurysms and dissections. Identifiers: Orphanet 91387, MedGen C4707243, MONDO:0019625.

Allele frequency attached by ClinVar (database versions not stated): ESP Exome Variant Server 0.00008.
gnomAD v4.1: 74 of 1,610,614 alleles (0.0046%); highest among the groups gnomAD compares: South Asian, 0.0088%; no homozygotes.

Submissions (7):

Labcorp Genetics (formerly Invitae), Labcorp
Classification: Uncertain significance for Aortic aneurysm, familial thoracic 4. Last evaluated: 2025-09-29. Review status: criteria provided, single submitter. Criteria: Invitae Variant Classification Sherloc (09022015). Collection method: clinical testing. Allele origin: germline.
Comment: This sequence change replaces alanine, which is neutral and non-polar, with valine, which is neutral and non-polar, at codon 921 of the MYH11 protein (p.Ala921Val). This variant is present in population databases (rs142128375, gnomAD 0.01%). This variant has not been reported in the literature in individuals affected with MYH11-related conditions. ClinVar contains an entry for this variant (Variation ID: 201057). Invitae Evidence Modeling of protein sequence and biophysical properties (such as structural, functional, and spatial information, amino acid conservation, physicochemical variation, residue mobility, and thermodynamic stability) indicates that this missense variant is not expected to disrupt MYH11 protein function with a negative predictive value of 95%. In summary, the available evidence is currently insufficient to determine the role of this variant in disease. Therefore, it has been classified as a Variant of Uncertain Significance.

Color Diagnostics, LLC DBA Color Health
Classification: Likely benign for Familial thoracic aortic aneurysm and aortic dissection. Last evaluated: 2025-08-20. Review status: criteria provided, single submitter. Criteria: ACMG Guidelines, 2015. Collection method: clinical testing. Allele origin: germline.

Ambry Genetics
Classification: Uncertain significance for Familial thoracic aortic aneurysm and aortic dissection. Last evaluated: 2023-10-27. Review status: criteria provided, single submitter. Criteria: Ambry Variant Classification Scheme 2023. Collection method: clinical testing. Allele origin: germline.
Comment: The p.A914V variant (also known as c.2741C>T), located in coding exon 21 of the MYH11 gene, results from a C to T substitution at nucleotide position 2741. The alanine at codon 914 is replaced by valine, an amino acid with similar properties. This amino acid position is conserved. In addition, this alteration is predicted to be tolerated by in silico analysis. Since supporting evidence is limited at this time, the clinical significance of this alteration remains unclear.

Revvity Omics, Revvity
Classification: Uncertain significance. Last evaluated: 2022-11-30. Review status: criteria provided, single submitter. Criteria: ACMG Guidelines, 2015. Collection method: clinical testing. Allele origin: germline.

Fulgent Genetics
Classification: Uncertain significance for Aortic aneurysm, familial thoracic 4; Visceral myopathy 2; Megacystis-microcolon-intestinal hypoperistalsis syndrome 2. Last evaluated: 2021-08-20. Review status: criteria provided, single submitter. Criteria: ACMG Guidelines, 2015. Collection method: clinical testing. Allele origin: unknown.

Illumina Laboratory Services, Illumina
Classification: Uncertain significance for Aortic aneurysm, familial thoracic 4. Last evaluated: 2018-01-12. Review status: criteria provided, single submitter. Criteria: ICSL Variant Classification Criteria 13 December 2019. Collection method: clinical testing. Allele origin: germline.

GeneDx
Classification: Uncertain significance. Last evaluated: 2017-05-24. Review status: criteria provided, single submitter. Criteria: GeneDx Variant Classification (06012015). Collection method: clinical testing. Allele origin: germline. Affected: yes.
Comment: The A914V variant of uncertain significance in the MYH11 gene has not been published as pathogenic or benign to our knowledge. This variant is not observed in large population cohorts (Lek et al., 2016; 1000 Genomes Consortium et al., 2015). The A914V variant is a conservative amino acid substitution, which is not likely to impact secondary protein structure as these residues share similar properties. Nevertheless, A914V occurs at a position that is conserved in mammals. In silico analysis is inconsistent in its predictions as to whether or not the variant is damaging to the protein structure/function.Therefore, based on the currently available information, it is unclear whether this variant is pathogenic or rare benign.

NM_002474.3(MYH11):c.2741C>T (p.Ala914Val)

Gene: MYH11 (myosin heavy chain 11; minus strand). Cytogenetic location: 16p13.11.
Variant type: single nucleotide variant.
Coding change: c.2741C>T on transcript NM_002474.3 (MANE Select); coding-DNA position 2741, C replaced by T.
Protein change: p.Ala914Val; replaces alanine 914 with valine.
Molecular consequence: missense variant.
Genome position (GRCh38, 1-based): chr16:15,741,581, G>A on the plus strand (C>T on the coding strand, the complement: MYH11 is on the minus strand). VCF-style: chr16-15741581-G-A. GRCh37 (hg19) VCF-style: chr16-15835438-G-A.
Other names: p.A914V:GCG>GTG; c.2762C>T, p.Ala921Val (NM_001040113.2, NM_001040114.2); c.2741C>T, p.Ala914Val (NM_022844.3); short protein forms A914V, A921V.
Identifiers: ClinVar variation 201057 (VCV000201057.18), dbSNP rs142128375, ClinGen allele CA306513.